The following is an entry in ClinVar:

ClinVar aggregate classification (germline): Benign/Likely benign. Review status: criteria provided, multiple submitters, no conflicts (2 of 4 stars). 11 submissions from 8 submitters: Benign (1); Likely benign (10). Last evaluated 2026-01-27.

Conditions:
Cardiac arrhythmia. Also called: Arrhythmia; Cardiac rhythm disease. Identifiers: MedGen C0003811, MONDO:0007263, HP:0011675.
Cardiovascular phenotype. Identifiers: MedGen CN230736.
Long QT syndrome (LQTS). Identifiers: MedGen C0023976, MeSH D008133, MONDO:0002442. Disease mechanism: loss of function. Inheritance: Various modes of inheritance.
Atrial fibrillation, familial, 3 (ATFB3). Identifiers: MedGen C1837014, MONDO:0011857, OMIM 607554.
Long QT syndrome 1 (LQT1). Identifiers: Orphanet 101016, Orphanet 768, MedGen C4551647, MONDO:0100316, OMIM 192500, MONDO:0008646.
Jervell and Lange-Nielsen syndrome 1 (JLNS1). Also called: PROLONGED QT INTERVAL IN EKG AND SUDDEN DEATH; SURDO-CARDIAC SYNDROME; CARDIOAUDITORY SYNDROME OF JERVELL AND LANGE-NIELSEN; DEAFNESS, CONGENITAL, AND FUNCTIONAL HEART DISEASE. Identifiers: Orphanet 768, Orphanet 90647, MedGen C4551509, MONDO:0024540, OMIM 220400.
Short QT syndrome type 2. Identifiers: Orphanet 51083, MedGen C1865019, MONDO:0012313, OMIM 609621.

Allele frequency attached by ClinVar (database versions not stated): ExAC 0.00007; TOPMed 0.00011; gnomAD 0.00013 and 0.00014; gnomAD exomes 0.00013.
gnomAD v4.1: 121 of 1,612,212 alleles (0.0075%); highest among the groups gnomAD compares: Non-Finnish European, 0.00059%; no homozygotes.

Submissions (11):

Labcorp Genetics (formerly Invitae), Labcorp
Classification: Likely benign for Long QT syndrome. Last evaluated: 2026-01-27. Review status: criteria provided, single submitter. Criteria: Invitae Variant Classification Sherloc (09022015). Collection method: clinical testing. Allele origin: germline.

CeGaT Center for Human Genetics Tuebingen
Classification: Likely benign. Last evaluated: 2024-05-01. Review status: criteria provided, single submitter. Criteria: CeGaT Center For Human Genetics Tuebingen Variant Classification Criteria Version 2. Collection method: clinical testing. Allele origin: germline. Affected: yes. Observed: 6 variant alleles.
Comment: KCNQ1: BP4, BP7

Ambry Genetics
Classification: Likely benign for Cardiovascular phenotype. Last evaluated: 2020-02-03. Review status: criteria provided, single submitter. Criteria: Ambry Variant Classification Scheme 2023. Collection method: clinical testing. Allele origin: germline.

Blueprint Genetics
Classification: Likely benign. Last evaluated: 2020-01-27. Review status: criteria provided, single submitter. Criteria: ACMG Guidelines, 2015. Collection method: clinical testing. Allele origin: germline.

Color Diagnostics, LLC DBA Color Health
Classification: Likely benign for Arrhythmia. Last evaluated: 2018-11-27. Review status: criteria provided, single submitter. Criteria: ACMG Guidelines, 2015. Collection method: clinical testing. Allele origin: germline.

GeneDx
Classification: Likely benign. Last evaluated: 2018-10-08. Review status: criteria provided, single submitter. Criteria: GeneDx Variant Classification Process June 2021. Collection method: clinical testing. Allele origin: germline. Affected: yes.

Illumina Laboratory Services, Illumina
Classification: Likely benign for Long QT syndrome 1. Last evaluated: 2017-04-27. Review status: criteria provided, single submitter. Criteria: ICSL Variant Classification Criteria 13 December 2019. Collection method: clinical testing. Allele origin: germline.
Comment: This variant was observed as part of a predisposition screen in an ostensibly healthy population. A literature search was performed for the gene, cDNA change, and amino acid change (where applicable). No publications were found based on this search. Allele frequency data from public databases allowed determination this variant is unlikely to cause disease. Therefore, this variant is classified as likely benign.

Illumina Laboratory Services, Illumina
Classification: Likely benign for Jervell and Lange-Nielsen syndrome 1. Last evaluated: 2017-04-27. Review status: criteria provided, single submitter. Criteria: ICSL Variant Classification Criteria 13 December 2019. Collection method: clinical testing. Allele origin: germline.
Comment: the same text as in the submission from Illumina Laboratory Services, Illumina above.

Illumina Laboratory Services, Illumina
Classification: Likely benign for Atrial fibrillation, familial, 3. Last evaluated: 2017-04-27. Review status: criteria provided, single submitter. Criteria: ICSL Variant Classification Criteria 13 December 2019. Collection method: clinical testing. Allele origin: germline.
Comment: the same text as in the submission from Illumina Laboratory Services, Illumina above.

Illumina Laboratory Services, Illumina
Classification: Benign for Short QT syndrome type 2. Last evaluated: 2017-04-27. Review status: criteria provided, single submitter. Criteria: ICSL Variant Classification Criteria 13 December 2019. Collection method: clinical testing. Allele origin: germline.
Comment: This variant was observed as part of a predisposition screen in an ostensibly healthy population. A literature search was performed for the gene, cDNA change, and amino acid change (where applicable). No publications were found based on this search. Allele frequency data from public databases was too high to be consistent with this variant causing disease. Therefore, this variant is classified as benign.

Laboratory for Molecular Medicine, Mass General Brigham Personalized Medicine
Classification: Likely benign. Last evaluated: 2013-10-31. Review status: criteria provided, single submitter. Criteria: LMM Criteria. Collection method: clinical testing. Allele origin: germline. Observed: 1 variant allele.
Comment: Gly189Gly in Exon 03 of KCNQ1: This variant is not expected to have clinical sig nificance because it does not alter an amino acid residue, is not located within the splice consensus sequence, and has been identified in 1/1309 European chrom osomes by the ClinSeq Project (dbSNP rs200669271).

NM_000218.3(KCNQ1):c.567G>T (p.Gly189=)

Gene: KCNQ1 (potassium voltage-gated channel subfamily Q member 1; plus strand). Cytogenetic location: 11p15.5.
Variant type: single nucleotide variant.
Coding change: c.567G>T on transcript NM_000218.3 (MANE Select); coding-DNA position 567, G replaced by T.
Protein change: p.Gly189=; no amino-acid change (glycine 189 retained).
Molecular consequence: synonymous variant. On other transcripts: intron variant (1).
Genome position (GRCh38, 1-based): chr11:2,570,717, G>T. VCF-style: chr11-2570717-G-T. GRCh37 (hg19) VCF-style: chr11-2591947-G-T.
Other names: c.567G>T, p.Gly189= (NM_001406836.1); c.297G>T, p.Gly99= (NM_001406837.1); c.186G>T, p.Gly62= (NM_181798.2); c.478-12718G>T (NM_001406838.1).
Identifiers: ClinVar variation 163737 (VCV000163737.60), dbSNP rs200669271, ClinGen allele CA007520.
Genomic context (GRCh38, chr11:2,570,717, plus strand): 5'-GGAGTACGTGGTCCGCCTCTGGTCCGCCGGCTGCCGCAGCAAGTACGTGGGCCTCTGGGG[G>T]CGGCTGCGCTTTGCCCGGAAGCCCATTTCCATCATCGGTGAGTCATGCCTGCCCTGTGGA-3'
Protein context (NP_000209.2, residues 179-199): GCRSKYVGLW[Gly189=]RLRFARKPIS